The following is an entry in ClinVar:

NM_001037333.3(CYFIP2):c.2995G>A (p.Val999Met)

Gene: CYFIP2 (cytoplasmic FMR1 interacting protein 2; plus strand). Cytogenetic location: 5q33.3.
Variant type: single nucleotide variant.
Coding change: c.2995G>A on transcript NM_001037333.3 (MANE Select); coding-DNA position 2995, G replaced by A.
Protein change: p.Val999Met; replaces valine 999 with methionine.
Molecular consequence: missense variant.
Genome position (GRCh38, 1-based): chr5:157,361,554, G>A. VCF-style: chr5-157361554-G-A. GRCh37 (hg19) VCF-style: chr5-156788562-G-A.
Other names: c.2995G>A (NM_001037333.2); c.2917G>A, p.Val973Met (NM_001291721.2); c.3070G>A, p.Val1024Met (NM_001291722.2); c.2995G>A, p.Val999Met (NM_014376.4); short protein forms V999M, V1024M, V973M.
Identifiers: ClinVar variation 1953113 (VCV001953113.6), dbSNP rs1292365985, ClinGen allele CA361977850.

ClinVar aggregate classification (germline): Uncertain significance. Review status: criteria provided, multiple submitters, no conflicts (2 of 4 stars). 2 submissions from 2 submitters: Uncertain significance (2). Last evaluated 2025-06-11.

Allele frequency attached by ClinVar (database versions not stated): TOPMed below 0.00001.
gnomAD v4.1: 1 of 1,614,084 alleles (0.000062%); highest among the groups gnomAD compares: Admixed American, 0.0017%; no homozygotes.

Submissions (2):

Labcorp Genetics (formerly Invitae), Labcorp
Classification: Uncertain significance. Last evaluated: 2025-06-11. Review status: criteria provided, single submitter. Criteria: Invitae Variant Classification Sherloc (09022015). Collection method: clinical testing. Allele origin: germline.
Comment: This sequence change replaces valine, which is neutral and non-polar, with methionine, which is neutral and non-polar, at codon 999 of the CYFIP2 protein (p.Val999Met). This variant is present in population databases (no rsID available, gnomAD 0.003%). This variant has not been reported in the literature in individuals affected with CYFIP2-related conditions. ClinVar contains an entry for this variant (Variation ID: 1953113). Experimental studies and prediction algorithms are not available or were not evaluated, and the functional significance of this variant is currently unknown. In summary, the available evidence is currently insufficient to determine the role of this variant in disease. Therefore, it has been classified as a Variant of Uncertain Significance.

GeneDx
Classification: Uncertain significance. Last evaluated: 2024-07-09. Review status: criteria provided, single submitter. Criteria: GeneDx Variant Classification Process June 2021. Collection method: clinical testing. Allele origin: germline. Affected: yes.
Comment: In silico analysis indicates that this missense variant does not alter protein structure/function; Has not been previously published as pathogenic or benign to our knowledge